The following is an entry in ClinVar:

NM_000037.4(ANK1):c.3409del (p.Arg1137fs)

Gene: ANK1 (ankyrin 1; minus strand). Cytogenetic location: 8p11.21.
Variant type: Deletion.
Coding change: c.3409del on transcript NM_000037.4 (MANE Select); coding-DNA position 3409, one base deleted (C; older notation c.3409delC).
Protein change: p.Arg1137fs; shifts the reading frame from arginine 1137.
Molecular consequence: frameshift variant.
Genome position (GRCh38, 1-based): chr8:41,694,021, G deleted on the plus strand (C on the coding strand, the reverse complement: ANK1 is on the minus strand); the first of 4 consecutive G bases (chr8:41,694,021-41,694,024); deleting any one gives the same sequence. VCF-style (leftmost placement, unchanged base first): chr8-41694020-CG-C. GRCh37 (hg19) VCF-style: chr8-41551538-CG-C.
Other names: c.3532del, p.Arg1178fs (NM_001142446.2); c.3409del, p.Arg1137fs (NM_020475.3, NM_020476.3, NM_020477.3); short protein forms R1137fs, R1178fs.
Identifiers: ClinVar variation 4081137 (VCV004081137.2).

ClinVar aggregate classification (germline): Pathogenic/Likely pathogenic. Review status: criteria provided, multiple submitters, no conflicts (2 of 4 stars). 2 submissions from 2 submitters: Pathogenic (1); Likely pathogenic (1). Last evaluated 2025-02-19.

Conditions:
Hereditary spherocytosis type 1. Also called: Spherocytosis type 1; ANK1-Related Spherocytosis. Identifiers: Orphanet 822, MedGen C2674218, MONDO:0008447, OMIM 182900.

Submissions (2):

Labcorp Genetics (formerly Invitae), Labcorp
Classification: Pathogenic. Last evaluated: 2025-02-19. Review status: criteria provided, single submitter. Criteria: Invitae Variant Classification Sherloc (09022015). Collection method: clinical testing. Allele origin: germline.
Comment: This sequence change creates a premature translational stop signal (p.Arg1137Glyfs*52) in the ANK1 gene. It is expected to result in an absent or disrupted protein product. Loss-of-function variants in ANK1 are known to be pathogenic (PMID: 8640229). This variant is not present in population databases (gnomAD no frequency). This variant has not been reported in the literature in individuals affected with ANK1-related conditions. For these reasons, this variant has been classified as Pathogenic.

Revvity Omics, Revvity
Classification: Likely pathogenic for Hereditary spherocytosis type 1. Last evaluated: 2024-01-16. Review status: criteria provided, single submitter. Criteria: ACMG Guidelines, 2015. Collection method: clinical testing. Allele origin: germline.

Literature cited by the submitters: PubMed 8640229 (cited by Labcorp Genetics (formerly Invitae), Labcorp).